The following is an entry in ClinVar:

NM_001032382.2(PQBP1):c.292+6T>G

Gene: PQBP1 (polyglutamine binding protein 1; plus strand). Cytogenetic location: Xp11.23.
Variant type: single nucleotide variant.
Coding change: c.292+6T>G on transcript NM_001032382.2 (MANE Select); 6 bases into the intron after coding-DNA position 292, T replaced by G.
Molecular consequence: intron variant.
Genome position (GRCh38, 1-based): chrX:48,902,048, T>G. VCF-style: chrX-48902048-T-G. GRCh37 (hg19) VCF-style: chrX-48759325-T-G.
Other names: c.292+6T>G (NM_001032383.2, NM_144495.3, NM_001032381.2 and 3 more transcripts); c.268+6T>G (NM_001167990.2); c.201+97T>G (NM_001167992.1).
Identifiers: ClinVar variation 669383 (VCV000669383.9), dbSNP rs781958954, ClinGen allele CA10405883.

ClinVar aggregate classification (germline): Benign/Likely benign. Review status: criteria provided, multiple submitters, no conflicts (2 of 4 stars). 2 submissions from 2 submitters: Benign (1); Likely benign (1). Last evaluated 2025-06-03.

Allele frequency attached by ClinVar (database versions not stated): gnomAD 0.00003; TOPMed 0.00003; gnomAD exomes 0.00006.
gnomAD v4.1: 64 of 1,208,860 alleles (0.0053%); highest among the groups gnomAD compares: Admixed American, 0.033%; no homozygotes.

Submissions (3):

Labcorp Genetics (formerly Invitae), Labcorp
Classification: Benign. Last evaluated: 2025-06-03. Review status: criteria provided, single submitter. Criteria: Invitae Variant Classification Sherloc (09022015). Collection method: clinical testing. Allele origin: germline.

GeneDx
Classification: Likely benign. Last evaluated: 2018-04-30. Review status: criteria provided, single submitter. Criteria: GeneDx Variant Classification (06012015). Collection method: clinical testing. Allele origin: germline. Affected: yes.
Comment: This variant is considered likely benign or benign based on one or more of the following criteria: it is a conservative change, it occurs at a poorly conserved position in the protein, it is predicted to be benign by multiple in silico algorithms, and/or has population frequency not consistent with disease.

Dr. Peter K. Rogan Lab, Western University
No classification provided (evidence only). Condition: Cervical cancer. Review status: no classification provided. Collection method: in vitro. Allele origin: not applicable. Functional consequence: retained intron. Not counted in ClinVar's aggregate classification.